The following is an entry in ClinVar:

ClinVar aggregate classification (germline): Conflicting classifications of pathogenicity. Review status: criteria provided, conflicting classifications (1 of 4 stars). 9 submissions from 9 submitters: Uncertain significance (8); Likely benign (1). Last evaluated 2026-02-01.

Conditions:
Fanconi anemia complementation group J. Also called: BRIP1-Related Fanconi Anemia. Identifiers: Orphanet 84, MedGen C1836860, MONDO:0012187, OMIM 609054.
Familial cancer of breast. Also called: BREAST CANCER, FAMILIAL; hereditary breast carcinoma; Hereditary breast cancer. Identifiers: Orphanet 227535, MedGen C0346153, MONDO:0016419, OMIM 114480. Disease mechanism: loss of function.
Hereditary cancer-predisposing syndrome. Also called: Neoplastic Syndromes, Hereditary; Hereditary neoplastic syndrome; Tumor predisposition; Hereditary Cancer Syndrome. Identifiers: Orphanet 140162, MedGen C0027672, MeSH D009386, MONDO:0015356.

Allele frequency attached by ClinVar (database versions not stated): gnomAD exomes below 0.00001; ExAC 0.00001; TOPMed 0.00001.
gnomAD v4.1: 1 of 1,613,564 alleles (0.000062%); highest among the groups gnomAD compares: Admixed American, 0.0017%; no homozygotes.

Submissions (9):

Labcorp Genetics (formerly Invitae), Labcorp
Classification: Uncertain significance for Familial cancer of breast; Fanconi anemia complementation group J. Last evaluated: 2026-02-01. Review status: criteria provided, single submitter. Criteria: Invitae Variant Classification Sherloc (09022015). Collection method: clinical testing. Allele origin: germline.
Comment: This sequence change replaces threonine, which is neutral and polar, with isoleucine, which is neutral and non-polar, at codon 997 of the BRIP1 protein (p.Thr997Ile). This variant is present in population databases (rs749978235, gnomAD 0.003%). This variant has not been reported in the literature in individuals affected with BRIP1-related conditions. ClinVar contains an entry for this variant (Variation ID: 530305). Invitae Evidence Modeling of protein sequence and biophysical properties (such as structural, functional, and spatial information, amino acid conservation, physicochemical variation, residue mobility, and thermodynamic stability) indicates that this missense variant is not expected to disrupt BRIP1 protein function with a negative predictive value of 95%. In summary, the available evidence is currently insufficient to determine the role of this variant in disease. Therefore, it has been classified as a Variant of Uncertain Significance.

Color Diagnostics, LLC DBA Color Health
Classification: Likely benign for Hereditary cancer-predisposing syndrome. Last evaluated: 2025-06-17. Review status: criteria provided, single submitter. Criteria: ACMG Guidelines, 2015. Collection method: clinical testing. Allele origin: germline.

Ambry Genetics
Classification: Uncertain significance for Hereditary cancer-predisposing syndrome. Last evaluated: 2025-06-14. Review status: criteria provided, single submitter. Criteria: Ambry Variant Classification Scheme 2023. Collection method: clinical testing. Allele origin: germline.
Comment: The p.T997I variant (also known as c.2990C>T), located in coding exon 19 of the BRIP1 gene, results from a C to T substitution at nucleotide position 2990. The threonine at codon 997 is replaced by isoleucine, an amino acid with similar properties. This variant was identified in a cohort of 690 patients with myeloid malignancy (Li ST et al. Leukemia, 2020 06;34:1675-1678). This amino acid position is not well conserved in available vertebrate species. In addition, this alteration is predicted to be tolerated by in silico analysis. Since supporting evidence is limited at this time, the clinical significance of this alteration remains unclear.

GeneDx
Classification: Uncertain significance. Last evaluated: 2023-08-30. Review status: criteria provided, single submitter. Criteria: GeneDx Variant Classification Process June 2021. Collection method: clinical testing. Allele origin: germline. Affected: yes.
Comment: Not observed at significant frequency in large population cohorts (gnomAD); In silico analysis supports that this missense variant does not alter protein structure/function; Reported as a germline variant in individual(s) with myeloid malignancy (Li et al., 2020); This variant is associated with the following publications: (PMID: 31911633, 11301010)

Baylor Genetics
Classification: Uncertain significance for Familial cancer of breast. Last evaluated: 2023-08-04. Review status: criteria provided, single submitter. Criteria: ACMG Guidelines, 2015. Collection method: clinical testing. Allele origin: unknown.

Sema4
Classification: Uncertain significance for Hereditary cancer-predisposing syndrome. Last evaluated: 2021-11-02. Review status: criteria provided, single submitter. Criteria: Sema4 Curation Guidelines. Collection method: curation. Allele origin: germline.
Comment: The BRIP1 c.2990C>T (p.T997I) variant has not been reported in the literature to our knowledge. It was observed in 1/34464 chromosomes of the Latino subpopulation in the large and broad cohorts of the Genome Aggregation Database (PMID: 32461654). The variant has been reported in ClinVar (Variation ID 530305). In silico tools suggest the impact of the variant on protein function is benign, though these predictions have not been confirmed by functional studies. The evidence is insufficient to meet ACMG/AMP criteria for classifying the variant as benign or pathogenic. Thus, the clinical significance of this variant is currently uncertain.

Fulgent Genetics
Classification: Uncertain significance for Familial cancer of breast; Fanconi anemia complementation group J. Last evaluated: 2018-10-31. Review status: criteria provided, single submitter. Criteria: ACMG Guidelines, 2015. Collection method: clinical testing. Allele origin: unknown.

Quest Diagnostics Nichols Institute San Juan Capistrano
Classification: Uncertain significance. Last evaluated: 2018-07-03. Review status: criteria provided, single submitter. Criteria: Quest Diagnostics criteria. Collection method: clinical testing. Allele origin: germline.

Women's Health and Genetics/Laboratory Corporation of America, LabCorp
Classification: Uncertain significance. Last evaluated: 2017-10-06. Review status: criteria provided, single submitter. Criteria: LabCorp Variant Classification Summary - May 2015. Collection method: clinical testing. Allele origin: germline.
Comment: Variant summary: The BRIP1 c.2990C>T (p.Thr997Ile) variant involves the alteration of a non-conserved nucleotide and 3/4 in silico tools (SNPsandGO not captured due to low reliability index) predict a benign outcome for this variant. However, these predictions have yet to be functionally assessed. This variant was found in 1/245770 control chromosomes at a frequency of 0.0000041, which does not exceed the estimated maximal expected allele frequency of a pathogenic BRIP1 variant (0.0000625). The variant of interest has not, to our knowledge, been reported in affected individuals via publications and/or reputable databases/clinical diagnostic laboratories. Because of the absence of clinical information and the lack of functional studies, the variant is classified as a "Variant of Uncertian Significance (VUS)," until additional information becomes available.

Literature cited by the submitters: PubMed 31911633 (cited by Ambry Genetics).

NM_032043.3(BRIP1):c.2990C>T (p.Thr997Ile)

Gene: BRIP1 (BRCA1 interacting DNA helicase 1; minus strand). Cytogenetic location: 17q23.2.
Variant type: single nucleotide variant.
Coding change: c.2990C>T on transcript NM_032043.3 (MANE Select); coding-DNA position 2990, C replaced by T.
Protein change: p.Thr997Ile; replaces threonine 997 with isoleucine.
Molecular consequence: missense variant.
Genome position (GRCh38, 1-based): chr17:61,684,056, G>A on the plus strand (C>T on the coding strand, the complement: BRIP1 is on the minus strand). VCF-style: chr17-61684056-G-A. GRCh37 (hg19) VCF-style: chr17-59761417-G-A.
Other names: short protein forms T997I.
Identifiers: ClinVar variation 530305 (VCV000530305.25), dbSNP rs749978235, ClinGen allele CA8690415.